The following is an entry in ClinVar:

NM_004484.4(GPC3):c.341C>G (p.Ala114Gly)

Gene: GPC3 (glypican 3; minus strand). Cytogenetic location: Xq26.2.
Variant type: single nucleotide variant.
Coding change: c.341C>G on transcript NM_004484.4 (MANE Select); coding-DNA position 341, C replaced by G.
Protein change: p.Ala114Gly; replaces alanine 114 with glycine.
Molecular consequence: missense variant.
Genome position (GRCh38, 1-based): chrX:133,754,173, G>C on the plus strand (C>G on the coding strand, the complement: GPC3 is on the minus strand). VCF-style: chrX-133754173-G-C. GRCh37 (hg19) VCF-style: chrX-132888200-G-C.
Other names: c.341C>G, p.Ala114Gly (NM_001164617.2); c.293C>G, p.Ala98Gly (NM_001164618.2); c.179C>G, p.Ala60Gly (NM_001164619.2); short protein forms A98G, A60G, A114G.
Identifiers: ClinVar variation 1943500 (VCV001943500.5), dbSNP rs2071703691, ClinGen allele CA414706850.

ClinVar aggregate classification (germline): Uncertain significance (1 of 4 stars; one submission).

Conditions:
Wilms tumor 1 (WT1). Also called: Wilms tumor, somatic. Identifiers: Orphanet 654, MedGen CN033288, MONDO:0008679, OMIM 194070.

gnomAD v4.1: 1 of 1,124,956 alleles (0.000089%); highest among the groups gnomAD compares: Non-Finnish European, 0.00012%; no homozygotes.

Submission:

Labcorp Genetics (formerly Invitae), Labcorp
Classification: Uncertain significance for Wilms tumor 1. Last evaluated: 2022-09-27. Review status: criteria provided, single submitter. Criteria: Invitae Variant Classification Sherloc (09022015). Collection method: clinical testing. Allele origin: germline.
Comment: In summary, the available evidence is currently insufficient to determine the role of this variant in disease. Therefore, it has been classified as a Variant of Uncertain Significance. Advanced modeling of protein sequence and biophysical properties (such as structural, functional, and spatial information, amino acid conservation, physicochemical variation, residue mobility, and thermodynamic stability) performed at Invitae indicates that this missense variant is expected to disrupt GPC3 protein function. This variant has not been reported in the literature in individuals affected with GPC3-related conditions. This variant is not present in population databases (gnomAD no frequency). This sequence change replaces alanine, which is neutral and non-polar, with glycine, which is neutral and non-polar, at codon 114 of the GPC3 protein (p.Ala114Gly).